The following is an entry in ClinVar:

NM_000234.3(LIG1):c.1045G>A (p.Val349Met)

Gene: LIG1 (DNA ligase 1; minus strand). Cytogenetic location: 19q13.33.
Variant type: single nucleotide variant.
Coding change: c.1045G>A on transcript NM_000234.3 (MANE Select); coding-DNA position 1045, G replaced by A.
Protein change: p.Val349Met; replaces valine 349 with methionine.
Molecular consequence: missense variant. On other transcripts: non-coding transcript variant (6).
Genome position (GRCh38, 1-based): chr19:48,140,013, C>T on the plus strand (G>A on the coding strand, the complement: LIG1 is on the minus strand). VCF-style: chr19-48140013-C-T. GRCh37 (hg19) VCF-style: chr19-48643270-C-T.
Other names: c.952G>A, p.Val318Met (NM_001289063.2); c.841G>A, p.Val281Met (NM_001289064.2); c.1042G>A, p.Val348Met (NM_001320970.2); c.955G>A, p.Val319Met (NM_001320971.2); short protein forms V281M, V318M, V319M, V348M, V349M.
Identifiers: ClinVar variation 1164110 (VCV001164110.32), dbSNP rs3730947, ClinGen allele CA9547006.

ClinVar aggregate classification (germline): Benign/Likely benign. Review status: criteria provided, multiple submitters, no conflicts (2 of 4 stars). 2 submissions from 2 submitters: Benign (1); Likely benign (1). Last evaluated 2026-02-02.

Allele frequency attached by ClinVar (database versions not stated): TOPMed 0.00145; 1000 Genomes Project 0.00200; ESP Exome Variant Server 0.00215; 1000 Genomes Project 30x 0.00219; gnomAD exomes 0.00268 and 0.00366; gnomAD 0.00271 and 0.00280; ExAC 0.00329.
gnomAD v4.1: 4,343 of 1,614,156 alleles (0.27%); highest among the groups gnomAD compares: South Asian, 0.55%; 19 homozygotes.

Submissions (2):

Labcorp Genetics (formerly Invitae), Labcorp
Classification: Benign. Last evaluated: 2026-02-02. Review status: criteria provided, single submitter. Criteria: Invitae Variant Classification Sherloc (09022015). Collection method: clinical testing. Allele origin: germline.

CeGaT Center for Human Genetics Tuebingen
Classification: Likely benign. Last evaluated: 2023-04-01. Review status: criteria provided, single submitter. Criteria: CeGaT Center For Human Genetics Tuebingen Variant Classification Criteria Version 2. Collection method: clinical testing. Allele origin: germline. Affected: yes. Observed: 3 variant alleles.
Comment: LIG1: BP4, BS2